The following is an entry in ClinVar:

ClinVar aggregate classification (germline): Conflicting classifications of pathogenicity. Review status: criteria provided, conflicting classifications (1 of 4 stars). 8 submissions from 8 submitters: Uncertain significance (1); Benign (1); Likely benign (6). Last evaluated 2025-12-31.

Conditions:
ATM-related disorder. Also called: ATM-related disorders; ATM-related condition.
Hereditary cancer-predisposing syndrome. Also called: Hereditary Cancer Syndrome; Tumor predisposition; Neoplastic Syndromes, Hereditary; Hereditary neoplastic syndrome. Identifiers: Orphanet 140162, MedGen C0027672, MeSH D009386, MONDO:0015356.
Familial cancer of breast. Also called: hereditary breast carcinoma; BREAST CANCER, FAMILIAL; Hereditary breast cancer. Identifiers: Orphanet 227535, MedGen C0346153, MONDO:0016419, OMIM 114480. Disease mechanism: loss of function.
Ataxia-telangiectasia syndrome (AT). Also called: ATAXIA-TELANGIECTASIA, COMPLEMENTATION GROUP A; ATAXIA-TELANGIECTASIA, FRESNO VARIANT; Ataxia-telangiectasia; Ataxia-telangiectasia, complementation group E; Cerebello-oculocutaneous telangiectasia; Immunodeficiency with ataxia telangiectasia. Identifiers: Orphanet 100, MedGen C0004135, MONDO:0008840, OMIM 208900.

Allele frequency attached by ClinVar (database versions not stated): gnomAD exomes below 0.00001; TOPMed 0.00001; ExAC 0.00001.
gnomAD v4.1: 6 of 1,613,858 alleles (0.00037%); highest among the groups gnomAD compares: South Asian, 0.0011%; no homozygotes.

Submissions (8):

PreventionGenetics, part of Exact Sciences
Classification: Likely benign for ATM-related condition. Last evaluated: 2025-12-31. Review status: criteria provided, single submitter. Criteria: ACMG Guidelines, 2015. Collection method: clinical testing. Allele origin: germline.
Comment: This variant is classified as likely benign based on ACMG/AMP sequence variant interpretation guidelines (Richards et al. 2015 PMID: 25741868, with internal and published modifications).

Labcorp Genetics (formerly Invitae), Labcorp
Classification: Likely benign for Ataxia-telangiectasia syndrome. Last evaluated: 2025-12-10. Review status: criteria provided, single submitter. Criteria: Invitae Variant Classification Sherloc (09022015). Collection method: clinical testing. Allele origin: germline.

Blueprint Genetics
Classification: Likely benign. Last evaluated: 2024-10-24. Review status: criteria provided, single submitter. Criteria: ACMG Guidelines, 2015. Collection method: clinical testing. Allele origin: germline.

Quest Diagnostics Nichols Institute San Juan Capistrano
Classification: Uncertain significance. Last evaluated: 2024-08-26. Review status: criteria provided, single submitter. Criteria: Quest Diagnostics criteria. Collection method: clinical testing. Allele origin: unknown.
Comment: The ATM c.8556T>C (p.Tyr2852=) synonymous variant has not been reported in individuals with ATM-related conditions in the published literature. The frequency of this variant in the general population, 0.000004 (1/251168 chromosomes (Genome Aggregation Database)), is uninformative in the assessment of its pathogenicity. Analysis of this variant using software algorithms for the prediction of the effect of nucleotide changes on ATM mRNA splicing yielded inconclusive findings. Based on the available information, we are unable to determine the clinical significance of this variant.

Myriad Genetics, Inc.
Classification: Benign for Familial cancer of breast. Last evaluated: 2024-06-20. Review status: criteria provided, single submitter. Criteria: Myriad Autosomal Dominant, Autosomal Recessive and X-Linked Classification Criteria (2023). Collection method: clinical testing. Allele origin: unknown.
Comment: This variant is considered benign. This variant is a silent/synonymous amino acid change and it is not expected to impact splicing.

GeneDx
Classification: Likely benign. Last evaluated: 2018-01-12. Review status: criteria provided, single submitter. Criteria: GeneDx Variant Classification (06012015). Collection method: clinical testing. Allele origin: germline. Affected: yes.
Comment: This variant is considered likely benign or benign based on one or more of the following criteria: it is a conservative change, it occurs at a poorly conserved position in the protein, it is predicted to be benign by multiple in silico algorithms, and/or has population frequency not consistent with disease.

Color Diagnostics, LLC DBA Color Health
Classification: Likely benign for Hereditary cancer-predisposing syndrome. Last evaluated: 2016-11-22. Review status: criteria provided, single submitter. Criteria: ACMG Guidelines, 2015. Collection method: clinical testing. Allele origin: germline.

Ambry Genetics
Classification: Likely benign for Hereditary cancer-predisposing syndrome. Last evaluated: 2015-02-06. Review status: criteria provided, single submitter. Criteria: Ambry Variant Classification Scheme 2023. Collection method: clinical testing. Allele origin: germline.

NM_000051.4(ATM):c.8556T>C (p.Tyr2852=)

Genes: ATM (ATM serine/threonine kinase; plus strand), C11orf65 (chromosome 11 open reading frame 65; minus strand). Cytogenetic location: 11q22.3.
Variant type: single nucleotide variant.
Coding change: c.8556T>C on transcript NM_000051.4 (MANE Select); coding-DNA position 8556, T replaced by C.
Protein change: p.Tyr2852=; no amino-acid change (tyrosine 2852 retained).
Molecular consequence: synonymous variant. On other transcripts: intron variant (2).
Genome position (GRCh38, 1-based): chr11:108,345,880, T>C. VCF-style: chr11-108345880-T-C. GRCh37 (hg19) VCF-style: chr11-108216607-T-C.
Other names: c.8556T>C, p.Tyr2852= (NM_001351834.2); c.641-36809A>G (NM_001330368.2); c.695-10588A>G (NM_001351110.2).
Identifiers: ClinVar variation 184399 (VCV000184399.23), dbSNP rs779394254, ClinGen allele CA188843.